The following is an entry in ClinVar:

NM_001379200.1(TBX1):c.1321C>T (p.Arg441Trp)

Gene: TBX1 (T-box transcription factor 1; plus strand). Cytogenetic location: 22q11.21.
Variant type: single nucleotide variant.
Coding change: c.1321C>T on transcript NM_001379200.1 (MANE Select); coding-DNA position 1321, C replaced by T.
Protein change: p.Arg441Trp; replaces arginine 441 with tryptophan.
Molecular consequence: missense variant. On other transcripts: intron variant (2).
Genome position (GRCh38, 1-based): chr22:19,766,673, C>T. VCF-style: chr22-19766673-C-T. GRCh37 (hg19) VCF-style: chr22-19754196-C-T.
Other names: c.1294C>T, p.Arg432Trp (NM_080647.1); c.1009+671C>T (NM_005992.1, NM_080646.2); short protein forms R441W, R432W.
Identifiers: ClinVar variation 2995094 (VCV002995094.3), dbSNP rs1936862657, ClinGen allele CA410684988.

ClinVar aggregate classification (germline): Uncertain significance (1 of 4 stars; one submission).

Conditions:
DiGeorge syndrome. Also called: Catch22; THIRD AND FOURTH PHARYNGEAL POUCH SYNDROME. Identifiers: Orphanet 567, MedGen C0012236, MONDO:0008564, OMIM 188400.

Allele frequency attached by ClinVar (database versions not stated): TOPMed below 0.00001.

Submission:

Labcorp Genetics (formerly Invitae), Labcorp
Classification: Uncertain significance for DiGeorge syndrome. Last evaluated: 2025-07-29. Review status: criteria provided, single submitter. Criteria: Invitae Variant Classification Sherloc (09022015). Collection method: clinical testing. Allele origin: germline.
Comment: This sequence change replaces arginine, which is basic and polar, with tryptophan, which is neutral and slightly polar, at codon 432 of the TBX1 protein (p.Arg432Trp). This variant is not present in population databases (gnomAD no frequency). This variant has not been reported in the literature in individuals affected with TBX1-related conditions. ClinVar contains an entry for this variant (Variation ID: 2995094). An algorithm developed to predict the effect of missense changes on protein structure and function (PolyPhen-2) suggests that this variant is likely to be disruptive. In summary, the available evidence is currently insufficient to determine the role of this variant in disease. Therefore, it has been classified as a Variant of Uncertain Significance.